The following is an entry in ClinVar:

ClinVar aggregate classification (germline): Uncertain significance (1 of 4 stars; one submission).

Conditions:
Hereditary cancer-predisposing syndrome. Also called: Neoplastic Syndromes, Hereditary; Tumor predisposition; Hereditary neoplastic syndrome; Hereditary Cancer Syndrome. Identifiers: Orphanet 140162, MedGen C0027672, MeSH D009386, MONDO:0015356.

Submission:

Ambry Genetics
Classification: Uncertain significance for Hereditary cancer-predisposing syndrome. Last evaluated: 2023-11-27. Review status: criteria provided, single submitter. Criteria: Ambry Variant Classification Scheme 2023. Collection method: clinical testing. Allele origin: germline.
Comment: The p.A1471S variant (also known as c.4411G>T), located in coding exon 15 of the APC gene, results from a G to T substitution at nucleotide position 4411. The alanine at codon 1471 is replaced by serine, an amino acid with similar properties. This amino acid position is well conserved in available vertebrate species. In addition, in silico predictors for this gene do not accurately predict pathogenicity. Since supporting evidence is limited at this time, the clinical significance of this alteration remains unclear.

NM_000038.6(APC):c.4411G>T (p.Ala1471Ser)

Gene: APC (APC regulator of Wnt signaling pathway; plus strand). Cytogenetic location: 5q22.2.
Variant type: single nucleotide variant.
Coding change: c.4411G>T on transcript NM_000038.6 (MANE Select); coding-DNA position 4411, G replaced by T.
Protein change: p.Ala1471Ser; replaces alanine 1471 with serine.
Molecular consequence: missense variant. On other transcripts: non-coding transcript variant (2).
Genome position (GRCh38, 1-based): chr5:112,840,005, G>T. VCF-style: chr5-112840005-G-T. GRCh37 (hg19) VCF-style: chr5-112175702-G-T.
Other names: c.4411G>T, p.Ala1471Ser (NM_001127510.3, NM_001354895.2, NM_001407450.1); c.4357G>T, p.Ala1453Ser (NM_001127511.3); c.4465G>T, p.Ala1489Ser (NM_001354896.2, NM_001407447.1, NM_001407448.1 and 1 more transcripts); c.4441G>T, p.Ala1481Ser (NM_001354897.2); c.4336G>T, p.Ala1446Ser (NM_001354898.2); c.4327G>T, p.Ala1443Ser (NM_001354899.2); c.4288G>T, p.Ala1430Ser (NM_001354900.2); c.4234G>T, p.Ala1412Ser (NM_001354901.2, NM_001407453.1); and 11 more; short protein forms A1087S, A1188S, A1311S, A1342S, A1345S, A1370S, A1380S, A1388S.
Identifiers: ClinVar variation 3230499 (VCV003230499.1), dbSNP rs1241200316, ClinGen allele CA16030992.